The following is an entry in ClinVar:

NM_001042492.3(NF1):c.4210G>T (p.Ala1404Ser)

Gene: NF1 (neurofibromin 1; plus strand). Cytogenetic location: 17q11.2.
Variant type: single nucleotide variant.
Coding change: c.4210G>T on transcript NM_001042492.3 (MANE Select); coding-DNA position 4210, G replaced by T.
Protein change: p.Ala1404Ser; replaces alanine 1404 with serine.
Molecular consequence: missense variant.
Genome position (GRCh38, 1-based): chr17:31,258,380, G>T. VCF-style: chr17-31258380-G-T. GRCh37 (hg19) VCF-style: chr17-29585398-G-T.
Other names: c.4147G>T, p.Ala1383Ser (NM_000267.4); short protein forms A1383S, A1404S.
Identifiers: ClinVar variation 1738210 (VCV001738210.2), dbSNP rs2151461880, ClinGen allele CA398997686.

ClinVar aggregate classification (germline): Uncertain significance (1 of 4 stars; one submission).

Conditions:
Hereditary cancer-predisposing syndrome. Also called: Neoplastic Syndromes, Hereditary; Tumor predisposition; Hereditary Cancer Syndrome; Hereditary neoplastic syndrome. Identifiers: Orphanet 140162, MedGen C0027672, MeSH D009386, MONDO:0015356.
Cardiovascular phenotype. Identifiers: MedGen CN230736.

Submission:

Ambry Genetics
Classification: Uncertain significance for Cardiovascular phenotype; Hereditary cancer-predisposing syndrome. Last evaluated: 2019-09-13. Review status: criteria provided, single submitter. Criteria: Ambry Variant Classification Scheme 2023. Collection method: clinical testing. Allele origin: germline.
Comment: The p.A1383S variant (also known as c.4147G>T), located in coding exon 31 of the NF1 gene, results from a G to T substitution at nucleotide position 4147. The alanine at codon 1383 is replaced by serine, an amino acid with similar properties. This amino acid position is highly conserved in available vertebrate species. In addition, the in silico prediction for this alteration is inconclusive. Since supporting evidence is limited at this time, the clinical significance of this alteration remains unclear.